The following is an entry in ClinVar:

ClinVar aggregate classification (germline): Uncertain significance (1 of 4 stars; one submission).

gnomAD v4.1: 2 of 1,614,134 alleles (0.00012%); highest among the groups gnomAD compares: South Asian, 0.0011%; no homozygotes.

Submission:

Dasa
Classification: Uncertain significance. Last evaluated: 2024-12-27. Review status: criteria provided, single submitter. Criteria: DASA Assertion Criteria. Collection method: clinical testing. Allele origin: germline.
Comment: NM_001378414.1(HDAC4):c.926G>A (p.Ser309Asn) is a missense variant that results in the substitution of serine with asparagine. This variant is rare in population databases. Computational prediction algorithms are consistent with a benign effect. The currently available literature and clinical evidence are not sufficient to establish a definitive association between this variant and the reported condition. Therefore, this variant is classified as a variant of uncertain significance.

NM_001378414.1(HDAC4):c.926G>A (p.Ser309Asn)

Gene: HDAC4 (histone deacetylase 4; minus strand). Cytogenetic location: 2q37.3.
Variant type: single nucleotide variant.
Coding change: c.926G>A on transcript NM_001378414.1 (MANE Select); coding-DNA position 926, G replaced by A.
Protein change: p.Ser309Asn; replaces serine 309 with asparagine.
Molecular consequence: missense variant.
Genome position (GRCh38, 1-based): chr2:239,139,736, C>T on the plus strand (G>A on the coding strand, the complement: HDAC4 is on the minus strand). VCF-style: chr2-239139736-C-T. GRCh37 (hg19) VCF-style: chr2-240061432-C-T.
Other names: c.926G>A, p.Ser309Asn (NM_001378415.1, NM_001378416.1, NM_001378417.1 and 1 more transcripts); c.845G>A, p.Ser282Asn (NM_001435991.1, NM_001435992.1, NM_001435994.1 and 1 more transcripts); c.782G>A, p.Ser261Asn (NM_001435993.1); c.911G>A, p.Ser304Asn (NM_001435996.1); short protein forms S261N, S282N, S304N, S309N.
Identifiers: ClinVar variation 4885283 (VCV004885283.2).